The following is an entry in ClinVar:

ClinVar aggregate classification (germline): Pathogenic/Likely pathogenic. Review status: criteria provided, multiple submitters, no conflicts (2 of 4 stars). 6 submissions from 6 submitters: Pathogenic (5); Likely pathogenic (1). Last evaluated 2025-02-06.

Conditions:
Hereditary cancer-predisposing syndrome. Also called: Neoplastic Syndromes, Hereditary; Hereditary neoplastic syndrome; Tumor predisposition; Hereditary Cancer Syndrome. Identifiers: Orphanet 140162, MedGen C0027672, MeSH D009386, MONDO:0015356.
BRCA2-related cancer predisposition. Identifiers: MedGen CN377758, MONDO:0700269.
Hereditary breast ovarian cancer syndrome. Also called: Breast and ovarian cancer; Hereditary breast and ovarian cancer syndrome (HBOC); Hereditary breast and/or ovarian cancer syndrome; Hereditary breast and ovarian cancer; Hereditary breast and ovarian cancer syndrome; BRCA1- and BRCA2-Associated Hereditary Breast and Ovarian Cancer. Identifiers: Orphanet 145, MedGen C0677776, MeSH D061325, MONDO:0003582. Disease mechanism: loss of function.
Breast-ovarian cancer, familial, susceptibility to, 2 (BROVCA2). Also called: BRCA2 Hereditary Breast and Ovarian Cancer. Identifiers: Orphanet 145, MedGen C2675520, MONDO:0012933, OMIM 612555. Disease mechanism: loss of function.
Familial cancer of breast. Also called: BREAST CANCER, FAMILIAL; hereditary breast carcinoma; Hereditary breast cancer. Identifiers: Orphanet 227535, MedGen C0346153, MONDO:0016419, OMIM 114480. Disease mechanism: loss of function.

Submissions (6):

Myriad Genetics, Inc.
Classification: Pathogenic for Breast-ovarian cancer, familial, susceptibility to, 2. Last evaluated: 2025-02-06. Review status: criteria provided, single submitter. Criteria: Myriad Autosomal Dominant, Autosomal Recessive and X-Linked Classification Criteria (2023). Collection method: clinical testing. Allele origin: unknown.
Comment: This variant is considered pathogenic. This variant creates a termination codon and is predicted to result in premature protein truncation.

Department of Pathology and Laboratory Medicine, Sinai Health System
Classification: Pathogenic for BRCA2-related cancer predisposition. Last evaluated: 2024-10-28. Review status: criteria provided, single submitter. Criteria: ACMG Guidelines, 2015. Collection method: clinical testing. Allele origin: germline.

All of Us Research Program, National Institutes of Health
Classification: Pathogenic for Breast-ovarian cancer, familial, susceptibility to, 2. Last evaluated: 2023-12-06. Review status: criteria provided, single submitter. Criteria: ACMG Guidelines, 2015. Collection method: clinical testing. Allele origin: germline. Inheritance: Autosomal dominant inheritance. Observed: 1 variant allele, 1 heterozygote.
Comment: The c.9699T>A (p.Cys3233*) variant in the BRCA2 gene is located on the last exon and introduces a premature translation termination codon (p.Cys3233*). While this variant is not expected to result in nonsense mediated mRNA decay, it is predicted to disrupt the last 185 amino acids of the BRCA2 protein. Loss-of-function variants located upstream and downstream to this position in exon 27 have been reported in individuals with hereditary breast and/or ovarian cancer and interpreted as pathogenic by the expert panel (including p.Tyr3225fs, p.Cys3233fs, p.Val3240fs, p.Gln3247*, p.Ser3250fs; ClinVar IDs: 126217, 38260, 548362, 267170, PMID: 16683254, 24010542). Loss-of-function variants of BRCA2 are known to be pathogenic (PMID: 8988179, 11897832, 29446198). The variant is reported in ClinVar (ID: 1076700). The variant is absent in the general population database (gnomAD). Therefore, the c.9699T>A (p.Cys3233*) variant in BRCA2 gene has been classified as pathogenic.

This study involves interpretation of variants in research participants for the purpose of population health screening. Participant phenotype was not available at the time of variant classification. Additional details can be found in publication PMID: 35346344, PMCID: PMC8962531

Ambry Genetics
Classification: Pathogenic for Hereditary cancer-predisposing syndrome. Last evaluated: 2023-05-16. Review status: criteria provided, single submitter. Criteria: Ambry Variant Classification Scheme 2023. Collection method: clinical testing. Allele origin: germline.
Comment: The p.C3233* pathogenic mutation (also known as c.9699T>A), located in coding exon 26 of the BRCA2 gene, results from a T to A substitution at nucleotide position 9699. This changes the amino acid from a cysteine to a stop codon within coding exon 26. This alteration occurs at the 3' terminus of the BRCA2 gene, is not expected to trigger nonsense-mediated mRNA decay, and only impacts the last 185 amino acids of the protein. However, premature stop codons are typically deleterious in nature and the impacted region is critical for protein function (Ambry internal data). This variant is considered to be rare based on population cohorts in the Genome Aggregation Database (gnomAD). Based on the supporting evidence, this alteration is interpreted as a disease-causing mutation.

Baylor Genetics
Classification: Likely pathogenic for Familial cancer of breast. Last evaluated: 2023-01-30. Review status: criteria provided, single submitter. Criteria: ACMG Guidelines, 2015. Collection method: clinical testing. Allele origin: unknown.

Labcorp Genetics (formerly Invitae), Labcorp
Classification: Pathogenic for Hereditary breast ovarian cancer syndrome. Last evaluated: 2020-04-28. Review status: criteria provided, single submitter. Criteria: Invitae Variant Classification Sherloc (09022015). Collection method: clinical testing. Allele origin: germline.
Comment: This variant has not been reported in the literature in individuals with BRCA2-related conditions. For these reasons, this variant has been classified as Pathogenic. This variant disrupts the C-terminus of the BRCA2 protein. Another variant that disrupts this region (p.Tyr3308*) has been determined to be pathogenic (PMID: 18593900, 18607349, 17026620, 22711857). This suggests that variants that disrupt this region of the protein are likely to be causative of disease. This variant is not present in population databases (ExAC no frequency). This sequence change results in a premature translational stop signal in the BRCA2 gene (p.Cys3233*). While this is not anticipated to result in nonsense mediated decay, it is expected to disrupt the last 186 amino acids of the BRCA2 protein.

Literature cited by the submitters: PubMed 8988179 (cited by All of Us Research Program, National Institutes of Health); PubMed 11897832 (cited by All of Us Research Program, National Institutes of Health); PubMed 16683254 (cited by All of Us Research Program, National Institutes of Health); PubMed 24010542 (cited by All of Us Research Program, National Institutes of Health); PubMed 29446198 (cited by All of Us Research Program, National Institutes of Health); PubMed 18593900 (cited by Labcorp Genetics (formerly Invitae), Labcorp); PubMed 18607349 (cited by Labcorp Genetics (formerly Invitae), Labcorp); PubMed 17026620 (cited by Labcorp Genetics (formerly Invitae), Labcorp); PubMed 22711857 (cited by Labcorp Genetics (formerly Invitae), Labcorp).

NM_000059.4(BRCA2):c.9699T>A (p.Cys3233Ter)

Gene: BRCA2 (BRCA2 DNA repair associated; plus strand). Cytogenetic location: 13q13.1.
Variant type: single nucleotide variant.
Coding change: c.9699T>A on transcript NM_000059.4 (MANE Select); coding-DNA position 9699, T replaced by A.
Protein change: p.Cys3233Ter; replaces cysteine 3233 with a stop codon.
Molecular consequence: nonsense.
Genome position (GRCh38, 1-based): chr13:32,398,212, T>A. VCF-style: chr13-32398212-T-A. GRCh37 (hg19) VCF-style: chr13-32972349-T-A.
Other names: c.9699T>A (NM_000059.3); short protein forms C3233*.
Identifiers: ClinVar variation 1076700 (VCV001076700.14), dbSNP rs746413844, ClinGen allele CA387765360.
Genomic context (GRCh38, chr13:32,398,212, plus strand): 5'-TTTTTATCAGATGTCTTCTCCTAATTGTGAGATATATTATCAAAGTCCTTTATCACTTTG[T>A]ATGGCCAAAAGGAAGTCTGTTTCCACACCTGTCTCAGCCCAGATGACTTCAAAGTCTTGT-3'